The following is an entry in ClinVar:

ClinVar aggregate classification (germline): Uncertain significance (1 of 4 stars; one submission).

Allele frequency attached by ClinVar (database versions not stated): ExAC 0.00001.

Submission:

Labcorp Genetics (formerly Invitae), Labcorp
Classification: Uncertain significance. Last evaluated: 2025-12-17. Review status: criteria provided, single submitter. Criteria: Invitae Variant Classification Sherloc (09022015). Collection method: clinical testing. Allele origin: germline.
Comment: This sequence change replaces arginine, which is basic and polar, with glycine, which is neutral and non-polar, at codon 159 of the COL9A2 protein (p.Arg159Gly). This variant is present in population databases (rs777035204, gnomAD 0.0009%). This variant has not been reported in the literature in individuals affected with COL9A2-related conditions. ClinVar contains an entry for this variant (Variation ID: 1354809). Invitae Evidence Modeling of protein sequence and biophysical properties (such as structural, functional, and spatial information, amino acid conservation, physicochemical variation, residue mobility, and thermodynamic stability) indicates that this missense variant is not expected to disrupt COL9A2 protein function with a negative predictive value of 95%. In summary, the available evidence is currently insufficient to determine the role of this variant in disease. Therefore, it has been classified as a Variant of Uncertain Significance.

NM_001852.4(COL9A2):c.475C>G (p.Arg159Gly)

Gene: COL9A2 (collagen type IX alpha 2 chain; minus strand). Cytogenetic location: 1p34.2.
Variant type: single nucleotide variant.
Coding change: c.475C>G on transcript NM_001852.4 (MANE Select); coding-DNA position 475, C replaced by G.
Protein change: p.Arg159Gly; replaces arginine 159 with glycine.
Molecular consequence: missense variant.
Genome position (GRCh38, 1-based): chr1:40,311,544, G>C on the plus strand (C>G on the coding strand, the complement: COL9A2 is on the minus strand). VCF-style: chr1-40311544-G-C. GRCh37 (hg19) VCF-style: chr1-40777216-G-C.
Other names: short protein forms R159G.
Identifiers: ClinVar variation 1354809 (VCV001354809.6), dbSNP rs777035204, ClinGen allele CA791902.